The following is an entry in ClinVar:

ClinVar aggregate classification (germline): Uncertain significance. Review status: criteria provided, multiple submitters, no conflicts (2 of 4 stars). 2 submissions from 2 submitters: Uncertain significance (2). Last evaluated 2025-03-15.

Allele frequency attached by ClinVar (database versions not stated): gnomAD exomes below 0.00001; ExAC 0.00001; gnomAD 0.00001.
gnomAD v4.1: 8 of 1,614,006 alleles (0.0005%); highest among the groups gnomAD compares: Non-Finnish European, 0.00068%; no homozygotes.

Submissions (2):

Ambry Genetics
Classification: Uncertain significance. Last evaluated: 2025-03-15. Review status: criteria provided, single submitter. Criteria: Ambry Variant Classification Scheme 2023. Collection method: clinical testing. Allele origin: germline.

Labcorp Genetics (formerly Invitae), Labcorp
Classification: Uncertain significance. Last evaluated: 2023-08-27. Review status: criteria provided, single submitter. Criteria: Invitae Variant Classification Sherloc (09022015). Collection method: clinical testing. Allele origin: germline.
Comment: This sequence change replaces aspartic acid, which is acidic and polar, with valine, which is neutral and non-polar, at codon 687 of the CEP97 protein (p.Asp687Val). This variant is present in population databases (rs769466248, gnomAD 0.003%). This variant has not been reported in the literature in individuals affected with CEP97-related conditions. Advanced modeling of protein sequence and biophysical properties (such as structural, functional, and spatial information, amino acid conservation, physicochemical variation, residue mobility, and thermodynamic stability) performed at Invitae indicates that this missense variant is not expected to disrupt CEP97 protein function. In summary, the available evidence is currently insufficient to determine the role of this variant in disease. Therefore, it has been classified as a Variant of Uncertain Significance.

NM_024548.4(CEP97):c.2060A>T (p.Asp687Val)

Gene: CEP97 (centrosomal protein 97; plus strand). Cytogenetic location: 3q12.3.
Variant type: single nucleotide variant.
Coding change: c.2060A>T on transcript NM_024548.4 (MANE Select); coding-DNA position 2060, A replaced by T.
Protein change: p.Asp687Val; replaces aspartic acid 687 with valine.
Molecular consequence: missense variant.
Genome position (GRCh38, 1-based): chr3:101,765,013, A>T. VCF-style: chr3-101765013-A-T. GRCh37 (hg19) VCF-style: chr3-101483857-A-T.
Other names: c.1883A>T, p.Asp628Val (NM_001303401.2); c.1958A>T, p.Asp653Val (NM_001410784.1); c.1781A>T, p.Asp594Val (NM_001410785.1); c.2060A>T (NM_024548.2); short protein forms D594V, D628V, D687V, D653V.
Identifiers: ClinVar variation 3000757 (VCV003000757.4), dbSNP rs769466248, ClinGen allele CA2522263.